The following is an entry in ClinVar:

ClinVar aggregate classification (germline): Conflicting classifications of pathogenicity. Review status: criteria provided, conflicting classifications (1 of 4 stars). 8 submissions from 7 submitters: Uncertain significance (3); Likely benign (4). 1 of the submissions does not count toward it. Last evaluated 2026-01-02.

Conditions:
Cardiovascular phenotype. Identifiers: MedGen CN230736.
BAG3-related disorder. Also called: BAG3-related condition.
Dilated cardiomyopathy 1HH (CMD1HH). Identifiers: Orphanet 154, MedGen C3151293, MONDO:0013479, OMIM 613881.
Myofibrillar myopathy 6. Identifiers: Orphanet 199340, MedGen C2751831, MONDO:0013061, OMIM 612954.

Allele frequency attached by ClinVar (database versions not stated): TOPMed 0.00005; gnomAD exomes 0.00006; ExAC 0.00008; gnomAD 0.00009 and 0.00011; ESP Exome Variant Server 0.00015.
gnomAD v4.1: 103 of 1,614,094 alleles (0.0064%); highest among the groups gnomAD compares: Non-Finnish European, 0.0069%; no homozygotes.

Submissions (8):

Labcorp Genetics (formerly Invitae), Labcorp
Classification: Uncertain significance for Dilated cardiomyopathy 1HH; Myofibrillar myopathy 6. Last evaluated: 2026-01-02. Review status: criteria provided, single submitter. Criteria: Invitae Variant Classification Sherloc (09022015). Collection method: clinical testing. Allele origin: germline.
Comment: This sequence change replaces asparagine, which is neutral and polar, with aspartic acid, which is acidic and polar, at codon 441 of the BAG3 protein (p.Asn441Asp). This variant is present in population databases (rs201181493, gnomAD 0.01%), and has an allele count higher than expected for a pathogenic variant. This variant has not been reported in the literature in individuals affected with BAG3-related conditions. ClinVar contains an entry for this variant (Variation ID: 191612). Invitae Evidence Modeling of protein sequence and biophysical properties (such as structural, functional, and spatial information, amino acid conservation, physicochemical variation, residue mobility, and thermodynamic stability) indicates that this missense variant is not expected to disrupt BAG3 protein function with a negative predictive value of 80%. In summary, the available evidence is currently insufficient to determine the role of this variant in disease. Therefore, it has been classified as a Variant of Uncertain Significance.

Women's Health and Genetics/Laboratory Corporation of America, LabCorp
Classification: Likely benign. Last evaluated: 2025-10-31. Review status: criteria provided, single submitter. Criteria: LabCorp Variant Classification Summary - May 2015. Collection method: clinical testing. Allele origin: germline.
Comment: Variant summary: BAG3 c.1321A>G (p.Asn441Asp) results in a conservative amino acid change in the encoded protein sequence. Algorithms developed to predict the effect of missense changes on protein structure and function all suggest that this variant is likely to be tolerated. The variant allele was found at a frequency of 5.6e-05 in 251446 control chromosomes. The observed variant frequency exceeds the estimated maximal expected allele frequency for disease-causing variants in BAG3. c.1321A>G has been observed in one individual affected with Lynch-like syndrome (Dos Santos_2022). The report does not provide unequivocal conclusions about association of the variant with Dilated cardiomyopathy 1HH. To our knowledge, no experimental evidence demonstrating an impact on protein function has been reported. The following publication have been ascertained in the context of this evaluation (PMID: 36077770). ClinVar contains an entry for this variant (Variation ID: 191612). Based on the evidence outlined above, the variant was classified as likely benign.

Ambry Genetics
Classification: Likely benign for Cardiovascular phenotype. Last evaluated: 2025-06-16. Review status: criteria provided, single submitter. Criteria: Ambry Variant Classification Scheme 2023. Collection method: clinical testing. Allele origin: germline.

Blueprint Genetics
Classification: Likely benign. Last evaluated: 2024-11-08. Review status: criteria provided, single submitter. Criteria: ACMG Guidelines, 2015. Collection method: clinical testing. Allele origin: germline.

Illumina Laboratory Services, Illumina
Classification: Likely benign for Myofibrillar myopathy 6. Last evaluated: 2018-01-13. Review status: criteria provided, single submitter. Criteria: ICSL Variant Classification Criteria 13 December 2019. Collection method: clinical testing. Allele origin: germline.
Comment: This variant was observed in the ICSL laboratory as part of a predisposition screen in an ostensibly healthy population. It had not been previously curated by ICSL or reported in the Human Gene Mutation Database (HGMD: prior to June 1st, 2018), and was therefore a candidate for classification through an automated scoring system. Utilizing variant allele frequency, disease prevalence and penetrance estimates, and inheritance mode, an automated score was calculated to assess if this variant is too frequent to cause the disease. Based on the score and internal cut-off values, a variant classified as likely benign is not then subjected to further curation. The score for this variant resulted in a classification of likely benign for this disease.

Illumina Laboratory Services, Illumina
Classification: Uncertain significance for Dilated cardiomyopathy 1HH. Last evaluated: 2018-01-13. Review status: criteria provided, single submitter. Criteria: ICSL Variant Classification Criteria 13 December 2019. Collection method: clinical testing. Allele origin: germline.

Biesecker Lab/Clinical Genomics Section, National Institutes of Health
Classification: Uncertain significance. Last evaluated: 2013-06-24. Review status: criteria provided, single submitter. Criteria: Ng et al. (Circ Cardiovasc Genet. 2013). Collection method: research. Allele origin: unknown. Observed: 1 variant allele. Study: ClinSeq.
Comment: The study set was not selected for affection status in relation to any cancer. Pathogenicity categories were based on literature curation. See Pubmed ID:23861362 for details.

Medical sequencing

PreventionGenetics, part of Exact Sciences
Classification: Uncertain significance for BAG3-related condition. Last evaluated: 2024-06-26. Review status: no assertion criteria provided. Collection method: clinical testing. Allele origin: germline. Not counted in ClinVar's aggregate classification.
Comment: The BAG3 c.1321A>G variant is predicted to result in the amino acid substitution p.Asn441Asp. This variant has been reported as a secondary finding in a cohort of individuals that underwent exome sequencing (Supplemental Table 3, Ng et al. 2013. PubMed ID: 23861362). This variant is reported in 0.0093% of alleles in individuals of European (Non-Finnish) descent in gnomAD. At this time, the clinical significance of this variant is uncertain due to the absence of conclusive functional and genetic evidence.

Literature cited by the submitters: PubMed 36077770 (cited by Women's Health and Genetics/Laboratory Corporation of America, LabCorp); PubMed 23861362 (cited by Ambry Genetics).

NM_004281.4(BAG3):c.1321A>G (p.Asn441Asp)

Gene: BAG3 (BAG cochaperone 3; plus strand). Cytogenetic location: 10q26.11.
Variant type: single nucleotide variant.
Coding change: c.1321A>G on transcript NM_004281.4 (MANE Select); coding-DNA position 1321, A replaced by G.
Protein change: p.Asn441Asp; replaces asparagine 441 with aspartic acid.
Molecular consequence: missense variant.
Genome position (GRCh38, 1-based): chr10:119,676,875, A>G. VCF-style: chr10-119676875-A-G. GRCh37 (hg19) VCF-style: chr10-121436387-A-G.
Other names: short protein forms N441D.
Identifiers: ClinVar variation 191612 (VCV000191612.19), dbSNP rs201181493, ClinGen allele CA237061.